The following is an entry in ClinVar:

ClinVar aggregate classification (germline): Pathogenic (1 of 4 stars; one submission).

Conditions:
Hereditary cancer-predisposing syndrome. Also called: Neoplastic Syndromes, Hereditary; Tumor predisposition; Hereditary neoplastic syndrome; Hereditary Cancer Syndrome. Identifiers: Orphanet 140162, MedGen C0027672, MeSH D009386, MONDO:0015356.

Submission:

Ambry Genetics
Classification: Pathogenic for Hereditary cancer-predisposing syndrome. Last evaluated: 2023-02-06. Review status: criteria provided, single submitter. Criteria: Ambry Variant Classification Scheme 2023. Collection method: clinical testing. Allele origin: germline.
Comment: The p.R690* pathogenic mutation (also known as c.2068A>T), located in coding exon 15 of the APC gene, results from an A to T substitution at nucleotide position 2068. This changes the amino acid from an arginine to a stop codon within coding exon 15. This alteration occurs at the 3' terminus of theAPC gene, is not expected to trigger nonsense-mediated mRNA decay, and impacts the last 75% of the protein. However, premature stop codons are typically deleterious in nature and the impacted region is critical for protein function (Ambry internal data). This alteration has been observed in at least one individual with a personal and/or family history that is consistent with APC-related disease (Ambry internal data). This variant is considered to be rare based on population cohorts in the Genome Aggregation Database (gnomAD). Based on the supporting evidence, this alteration is interpreted as a disease-causing mutation.

NM_000038.6(APC):c.2068A>T (p.Arg690Ter)

Gene: APC (APC regulator of Wnt signaling pathway; plus strand). Cytogenetic location: 5q22.2.
Variant type: single nucleotide variant.
Coding change: c.2068A>T on transcript NM_000038.6 (MANE Select); coding-DNA position 2068, A replaced by T.
Protein change: p.Arg690Ter; replaces arginine 690 with a stop codon.
Molecular consequence: nonsense. On other transcripts: non-coding transcript variant (2).
Genome position (GRCh38, 1-based): chr5:112,837,662, A>T. VCF-style: chr5-112837662-A-T. GRCh37 (hg19) VCF-style: chr5-112173359-A-T.
Other names: c.2068A>T, p.Arg690Ter (NM_001127510.3, NM_001354895.2, NM_001407450.1); c.2014A>T, p.Arg672Ter (NM_001127511.3); c.2122A>T, p.Arg708Ter (NM_001354896.2, NM_001407447.1, NM_001407448.1 and 1 more transcripts); c.2098A>T, p.Arg700Ter (NM_001354897.2); c.1993A>T, p.Arg665Ter (NM_001354898.2); c.1984A>T, p.Arg662Ter (NM_001354899.2); c.1945A>T, p.Arg649Ter (NM_001354900.2); c.1891A>T, p.Arg631Ter (NM_001354901.2, NM_001407453.1); and 11 more; short protein forms R564*, R649*, R683*, R306*, R589*, R607*, R631*, R665*.
Identifiers: ClinVar variation 2452724 (VCV002452724.2), dbSNP rs1561574634, ClinGen allele CA16025843.